The following is an entry in ClinVar:

NM_013382.7(POMT2):c.247T>A (p.Cys83Ser)

Gene: POMT2 (protein O-mannosyltransferase 2; minus strand). Cytogenetic location: 14q24.3.
Variant type: single nucleotide variant.
Coding change: c.247T>A on transcript NM_013382.7 (MANE Select); coding-DNA position 247, T replaced by A.
Protein change: p.Cys83Ser; replaces cysteine 83 with serine.
Molecular consequence: missense variant.
Genome position (GRCh38, 1-based): chr14:77,320,435, A>T on the plus strand (T>A on the coding strand, the complement: POMT2 is on the minus strand). VCF-style: chr14-77320435-A-T. GRCh37 (hg19) VCF-style: chr14-77786778-A-T.
Other names: short protein forms C83S.
Identifiers: ClinVar variation 3236446 (VCV003236446.2), dbSNP rs2503369201, ClinGen allele CA390504240.

ClinVar aggregate classification (germline): Uncertain significance (1 of 4 stars; one submission).

Conditions:
Muscular dystrophy-dystroglycanopathy (congenital with impaired intellectual development), type B, 2. Also called: Muscular dystrophy-dystroglycanopathy (congenital with intellectual disability), type B2; MUSCULAR DYSTROPHY, CONGENITAL, POMT2-RELATED. Identifiers: MedGen C3150416, MONDO:0013160, OMIM 613156.

Submission:

Neuberg Centre For Genomic Medicine, NCGM
Classification: Uncertain significance for Muscular dystrophy-dystroglycanopathy (congenital with impaired intellectual development), type B, 2. Review status: criteria provided, single submitter. Criteria: ACMG Guidelines, 2015. Collection method: clinical testing. Allele origin: germline. Inheritance: Autosomal recessive inheritance. Affected: yes.
Comment: The missense c.247T>A p.Cys83Ser variant in POMT2 gene has not been reported previously as a pathogenic variant nor as a benign variant, to our knowledge. The p.Cys83Ser variant is novel not in any individuals in gnomAD Exomes and 1000 Genomes. This variant has not been reported to the ClinVar database. The amino acid change p.Cys83Ser in POMT2 is predicted as conserved by GERP++ and PhyloP across 100 vertebrates. The amino acid Cys at position 83 is changed to a Ser changing protein sequence and it might alter its composition and physico-chemical properties. For these reasons, this variant has been classified as a Variant of Uncertain Significance VUS.